The following is an entry in ClinVar:

NM_130837.3(OPA1):c.1838A>C (p.Glu613Ala)

Genes: OPA1 (OPA1 mitochondrial dynamin like GTPase; plus strand), LOC126806913 (BRD4-independent group 4 enhancer GRCh37_chr3:193364377-193365576; plus strand). Cytogenetic location: 3q29.
Variant type: single nucleotide variant.
Coding change: c.1838A>C on transcript NM_130837.3 (MANE Select); coding-DNA position 1838, A replaced by C.
Protein change: p.Glu613Ala; replaces glutamic acid 613 with alanine.
Molecular consequence: missense variant.
Genome position (GRCh38, 1-based): chr3:193,647,148, A>C. VCF-style: chr3-193647148-A-C. GRCh37 (hg19) VCF-style: chr3-193364937-A-C.
Other names: c.1304A>C, p.Glu435Ala (NM_001354663.2); c.1301A>C, p.Glu434Ala (NM_001354664.2); c.1673A>C, p.Glu558Ala (NM_015560.3); c.1565A>C, p.Glu522Ala (NM_130831.3); c.1619A>C, p.Glu540Ala (NM_130832.3); c.1676A>C, p.Glu559Ala (NM_130833.3); c.1727A>C, p.Glu576Ala (NM_130834.3); c.1730A>C, p.Glu577Ala (NM_130835.3); and 2 more; short protein forms E558A, E613A, E540A, E576A, E595A, E434A, E435A, E522A.
Identifiers: ClinVar variation 452064 (VCV000452064.11), dbSNP rs949979832, ClinGen allele CA90536262.
Genomic context (GRCh38, chr3:193,647,148, plus strand): 5'-AAGTGACTACAAGAAATTTAAGCCTTGCAGTATCAGACTGCTTTTGGAAAATGGTACGAG[A>C]GTCTGTTGAACAACAGGCTGATAGTTTCAAAGGTAAGTTGGATTTTTTAAAGAAGCAAGC-3'
Protein context (NP_570850.2, residues 603-623): VSDCFWKMVR[Glu613Ala]SVEQQADSFK

ClinVar aggregate classification (germline): Conflicting classifications of pathogenicity. Review status: criteria provided, conflicting classifications (1 of 4 stars). 4 submissions from 4 submitters: Uncertain significance (3); Likely benign (1). Last evaluated 2026-08-01.

Conditions:
OPA1-related disorder. Also called: OPA1-related disorders; OPA1-related condition.
Inborn genetic diseases. Identifiers: MedGen C0950123, MeSH D030342.

Allele frequency attached by ClinVar (database versions not stated): gnomAD exomes below 0.00001; TOPMed below 0.00001.
gnomAD v4.1: 2 of 1,613,232 alleles (0.00012%); highest among the groups gnomAD compares: Admixed American, 0.0033%; no homozygotes.

Submissions (4):

GeneDx
Classification: Uncertain significance. Last evaluated: 2026-08-01. Review status: criteria provided, single submitter. Criteria: GeneDx Variant Classification Process June 2021. Collection method: clinical testing. Allele origin: germline.
Comment: Not observed at significant frequency in large population cohorts (gnomAD); In silico analysis supports that this missense variant has a deleterious effect on protein structure/function; Has not been previously published as pathogenic or benign to our knowledge

PreventionGenetics, part of Exact Sciences
Classification: Uncertain significance for OPA1-related condition. Last evaluated: 2026-07-08. Review status: criteria provided, single submitter. Criteria: ACMG Guidelines, 2015. Collection method: clinical testing. Allele origin: germline.
Comment: The OPA1 c.1838A>C variant is predicted to result in the amino acid substitution p.Glu613Ala. To our knowledge, this variant has not been reported in the literature. This variant is reported in 0.0029% of alleles in individuals of Latino descent in gnomAD. At this time, the clinical significance of this variant is uncertain due to the absence of conclusive functional and genetic evidence.

Ambry Genetics
Classification: Uncertain significance for Inborn genetic diseases. Last evaluated: 2026-04-28. Review status: criteria provided, single submitter. Criteria: Ambry Variant Classification Scheme 2023. Collection method: clinical testing. Allele origin: germline.

Labcorp Genetics (formerly Invitae), Labcorp
Classification: Likely benign. Last evaluated: 2025-04-14. Review status: criteria provided, single submitter. Criteria: Invitae Variant Classification Sherloc (09022015). Collection method: clinical testing. Allele origin: germline.